The following is an entry in ClinVar:

NM_182961.4(SYNE1):c.2086G>A (p.Glu696Lys)

Gene: SYNE1 (spectrin repeat containing nuclear envelope protein 1; minus strand). Cytogenetic location: 6q25.2.
Variant type: single nucleotide variant.
Coding change: c.2086G>A on transcript NM_182961.4 (MANE Select); coding-DNA position 2086, G replaced by A.
Protein change: p.Glu696Lys; replaces glutamic acid 696 with lysine.
Molecular consequence: missense variant.
Genome position (GRCh38, 1-based): chr6:152,463,364, C>T on the plus strand (G>A on the coding strand, the complement: SYNE1 is on the minus strand). VCF-style: chr6-152463364-C-T. GRCh37 (hg19) VCF-style: chr6-152784499-C-T.
Other names: c.2107G>A, p.Glu703Lys (NM_033071.5); short protein forms E696K, E703K.
Identifiers: ClinVar variation 1471095 (VCV001471095.6), dbSNP rs746477050, ClinGen allele CA4059239.

ClinVar aggregate classification (germline): Uncertain significance (1 of 4 stars; one submission).

Conditions:
Autosomal recessive ataxia, Beauce type. Also called: SYNE1-Related Autosomal Recessive Cerebellar Ataxia; Spinocerebellar ataxia, autosomal recessive 8; ATAXIA, RECESSIVE, OF BEAUCE; SYNE1 Deficiency. Identifiers: Orphanet 88644, MedGen C1853116, MONDO:0012549, OMIM 610743.
Emery-Dreifuss muscular dystrophy 4, autosomal dominant (EDMD4). Also called: EMERY-DREIFUSS MUSCULAR DYSTROPHY 4 WITH VARIABLE FEATURES. Identifiers: Orphanet 261, MedGen C2751807, MONDO:0013071, OMIM 612998.

Allele frequency attached by ClinVar (database versions not stated): gnomAD exomes below 0.00001 and 0.00001; ExAC 0.00001; gnomAD 0.00001; TOPMed 0.00001.
gnomAD v4.1: 8 of 1,613,626 alleles (0.0005%); highest among the groups gnomAD compares: Non-Finnish European, 0.00068%; no homozygotes.

Submission:

Labcorp Genetics (formerly Invitae), Labcorp
Classification: Uncertain significance for Emery-Dreifuss muscular dystrophy 4, autosomal dominant; Autosomal recessive ataxia, Beauce type. Last evaluated: 2022-08-05. Review status: criteria provided, single submitter. Criteria: Invitae Variant Classification Sherloc (09022015). Collection method: clinical testing. Allele origin: germline.
Comment: This variant has not been reported in the literature in individuals affected with SYNE1-related conditions. This variant is present in population databases (rs746477050, gnomAD 0.0009%). This sequence change replaces glutamic acid, which is acidic and polar, with lysine, which is basic and polar, at codon 703 of the SYNE1 protein (p.Glu703Lys). ClinVar contains an entry for this variant (Variation ID: 1471095). In summary, the available evidence is currently insufficient to determine the role of this variant in disease. Therefore, it has been classified as a Variant of Uncertain Significance. Algorithms developed to predict the effect of missense changes on protein structure and function are either unavailable or do not agree on the potential impact of this missense change (SIFT: "Deleterious"; PolyPhen-2: "Benign"; Align-GVGD: "Class C0").